The following is an entry in ClinVar:

NM_000540.3(RYR1):c.7193G>A (p.Arg2398His)

Gene: RYR1 (ryanodine receptor 1; plus strand). Cytogenetic location: 19q13.2.
Variant type: single nucleotide variant.
Coding change: c.7193G>A on transcript NM_000540.3 (MANE Select); coding-DNA position 7193, G replaced by A.
Protein change: p.Arg2398His; replaces arginine 2398 with histidine.
Molecular consequence: missense variant.
Genome position (GRCh38, 1-based): chr19:38,499,800, G>A. VCF-style: chr19-38499800-G-A. GRCh37 (hg19) VCF-style: chr19-38990440-G-A.
Other names: c.7193G>A, p.Arg2398His (NM_001042723.2); short protein forms R2398H.
Identifiers: ClinVar variation 1401816 (VCV001401816.7), dbSNP rs757289154, ClinGen allele CA069224.

ClinVar aggregate classification (germline): Uncertain significance. Review status: criteria provided, multiple submitters, no conflicts (2 of 4 stars). 2 submissions from 2 submitters: Uncertain significance (2). Last evaluated 2025-01-08.

Conditions:
RYR1-related disorder. Also called: RYR1-related condition; RYR1-related disorders. Identifiers: MedGen CN239331.

Allele frequency attached by ClinVar (database versions not stated): TOPMed below 0.00001; gnomAD 0.00001; ExAC 0.00002; gnomAD exomes 0.00003.
gnomAD v4.1: 36 of 1,604,602 alleles (0.0022%); highest among the groups gnomAD compares: Non-Finnish European, 0.0026%; no homozygotes.

Submissions (2):

Labcorp Genetics (formerly Invitae), Labcorp
Classification: Uncertain significance for RYR1-related disorder. Last evaluated: 2025-01-08. Review status: criteria provided, single submitter. Criteria: Invitae Variant Classification Sherloc (09022015). Collection method: clinical testing. Allele origin: germline.
Comment: This sequence change replaces arginine, which is basic and polar, with histidine, which is basic and polar, at codon 2398 of the RYR1 protein (p.Arg2398His). This variant is present in population databases (rs757289154, gnomAD 0.005%). This variant has not been reported in the literature in individuals affected with RYR1-related conditions. ClinVar contains an entry for this variant (Variation ID: 1401816). Invitae Evidence Modeling of protein sequence and biophysical properties (such as structural, functional, and spatial information, amino acid conservation, physicochemical variation, residue mobility, and thermodynamic stability) indicates that this missense variant is not expected to disrupt RYR1 protein function with a negative predictive value of 80%. In summary, the available evidence is currently insufficient to determine the role of this variant in disease. Therefore, it has been classified as a Variant of Uncertain Significance.

Illumina Laboratory Services, Illumina
Classification: Uncertain significance for RYR1-related disorder. Last evaluated: 2023-06-08. Review status: criteria provided, single submitter. Criteria: ICSLVariantClassificationCriteria RUGD 01 April 2020. Collection method: clinical testing. Allele origin: unknown.
Comment: The RYR1 c.7193G>A (p.Arg2398His) missense variant has not, to our knowledge, been reported in the peer-reviewed literature. This variant is not observed at a significant frequency in version 2.1.1 or version 3.1.2 of the Genome Aggregation Database. Based on the available evidence, the c.7193G>A (p.Arg2398His) variant is classified as a variant of uncertain significance for RYR1-related myopathies.